The following is an entry in ClinVar:

ClinVar aggregate classification (germline): Uncertain significance. Review status: criteria provided, multiple submitters, no conflicts (2 of 4 stars). 2 submissions from 2 submitters: Uncertain significance (2). Last evaluated 2024-10-21.

Allele frequency attached by ClinVar (database versions not stated): gnomAD 0.00003; ExAC 0.00006; 1000 Genomes Project 30x 0.00016; 1000 Genomes Project 0.00020.
gnomAD v4.1: 35 of 1,416,412 alleles (0.0025%); highest among the groups gnomAD compares: East Asian, 0.093%; no homozygotes.

Submissions (2):

Labcorp Genetics (formerly Invitae), Labcorp
Classification: Uncertain significance. Last evaluated: 2024-10-21. Review status: criteria provided, single submitter. Criteria: Invitae Variant Classification Sherloc (09022015). Collection method: clinical testing. Allele origin: germline.
Comment: This sequence change replaces glycine, which is neutral and non-polar, with arginine, which is basic and polar, at codon 177 of the FZD2 protein (p.Gly177Arg). This variant is present in population databases (rs530418343, gnomAD 0.08%). This variant has not been reported in the literature in individuals affected with FZD2-related conditions. ClinVar contains an entry for this variant (Variation ID: 2388526). An algorithm developed to predict the effect of missense changes on protein structure and function (PolyPhen-2) suggests that this variant is likely to be tolerated. In summary, the available evidence is currently insufficient to determine the role of this variant in disease. Therefore, it has been classified as a Variant of Uncertain Significance.

Ambry Genetics
Classification: Uncertain significance. Last evaluated: 2021-08-10. Review status: criteria provided, single submitter. Criteria: Ambry Variant Classification Scheme 2023. Collection method: clinical testing. Allele origin: germline.

NM_001466.4(FZD2):c.529G>C (p.Gly177Arg)

Gene: FZD2 (frizzled class receptor 2; plus strand). Cytogenetic location: 17q21.31.
Variant type: single nucleotide variant.
Coding change: c.529G>C on transcript NM_001466.4 (MANE Select); coding-DNA position 529, G replaced by C.
Protein change: p.Gly177Arg; replaces glycine 177 with arginine.
Molecular consequence: missense variant.
Genome position (GRCh38, 1-based): chr17:44,558,217, G>C. VCF-style: chr17-44558217-G-C. GRCh37 (hg19) VCF-style: chr17-42635585-G-C.
Other names: short protein forms G177R.
Identifiers: ClinVar variation 2388526 (VCV002388526.4), dbSNP rs530418343, ClinGen allele CA8604669.